The following is an entry in ClinVar:

ClinVar aggregate classification (germline): Benign/Likely benign. Review status: criteria provided, multiple submitters, no conflicts (2 of 4 stars). 9 submissions from 9 submitters: Benign (7); Likely benign (1). 1 of the submissions does not count toward it. Last evaluated 2026-02-04.

Conditions:
Congenital myasthenic syndrome 12 (CMS12). Also called: Myasthenia, congenital, 12, with tubular aggregates; MYASTHENIC SYNDROME, CONGENITAL, WITH TUBULAR AGGREGATES 1. Identifiers: Orphanet 353327, Orphanet 590, MedGen C3552335, MONDO:0012518, OMIM 610542.

Allele frequency attached by ClinVar (database versions not stated): 1000 Genomes Project 0.00739; 1000 Genomes Project 30x 0.00859; TOPMed 0.01538; ExAC 0.01614; gnomAD exomes 0.01624 and 0.02060; gnomAD 0.01633 and 0.01692; ESP Exome Variant Server 0.01899.
gnomAD v4.1: 32,310 of 1,610,460 alleles (2%); highest among the groups gnomAD compares: Non-Finnish European, 2.4%; 431 homozygotes.

Submissions (9):

Labcorp Genetics (formerly Invitae), Labcorp
Classification: Benign for Congenital myasthenic syndrome 12. Last evaluated: 2026-02-04. Review status: criteria provided, single submitter. Criteria: Invitae Variant Classification Sherloc (09022015). Collection method: clinical testing. Allele origin: germline.

Blueprint Genetics
Classification: Likely benign. Last evaluated: 2024-11-26. Review status: criteria provided, single submitter. Criteria: ACMG Guidelines, 2015. Collection method: clinical testing. Allele origin: germline.

Athena Diagnostics
Classification: Benign. Last evaluated: 2024-06-24. Review status: criteria provided, single submitter. Criteria: Athena Diagnostics Criteria. Collection method: clinical testing. Allele origin: unknown.

Mayo Clinic Laboratories, Mayo Clinic
Classification: Benign. Last evaluated: 2018-02-02. Review status: criteria provided, single submitter. Criteria: ACMG Guidelines, 2015. Collection method: clinical testing. Allele origin: germline. Observed: 20 variant alleles.

Illumina Laboratory Services, Illumina
Classification: Benign for Congenital myasthenic syndrome 12. Last evaluated: 2018-01-12. Review status: criteria provided, single submitter. Criteria: ICSL Variant Classification Criteria 13 December 2019. Collection method: clinical testing. Allele origin: germline.
Comment: This variant was observed in the ICSL laboratory as part of a predisposition screen in an ostensibly healthy population. It had not been previously curated by ICSL or reported in the Human Gene Mutation Database (HGMD: prior to June 1st, 2018), and was therefore a candidate for classification through an automated scoring system. Utilizing variant allele frequency, disease prevalence and penetrance estimates, and inheritance mode, an automated score was calculated to assess if this variant is too frequent to cause the disease. Based on the score and internal cut-off values, a variant classified as benign is not then subjected to further curation. The score for this variant resulted in a classification of benign for this disease.

GeneDx
Classification: Benign. Last evaluated: 2016-10-12. Review status: criteria provided, single submitter. Criteria: GeneDx Variant Classification (06012015). Collection method: clinical testing. Allele origin: germline. Affected: yes.
Comment: This variant is considered likely benign or benign based on one or more of the following criteria: it is a conservative change, it occurs at a poorly conserved position in the protein, it is predicted to be benign by multiple in silico algorithms, and/or has population frequency not consistent with disease.

Breakthrough Genomics
Classification: Benign. Review status: criteria provided, single submitter. Criteria: ACMG Guidelines, 2015. Collection method: not provided. Allele origin: germline. Inheritance: Autosomal recessive inheritance. Affected: yes.

PreventionGenetics, part of Exact Sciences
Classification: Benign. Review status: criteria provided, single submitter. Criteria: ACMG Guidelines, 2015. Collection method: clinical testing. Allele origin: germline.

Genetic Services Laboratory, University of Chicago
Classification: Likely benign for AllHighlyPenetrant. Review status: no assertion criteria provided. Collection method: clinical testing. Allele origin: germline. Inheritance: Autosomal recessive inheritance. Not counted in ClinVar's aggregate classification.
Comment: Likely benign based on allele frequency in 1000 Genomes Project or ESP global frequency and its presence in a patient with a rare or unrelated disease phenotype. NOT Sanger confirmed.

NM_001244710.2(GFPT1):c.147T>C (p.Asp49=)

Gene: GFPT1 (glutamine--fructose-6-phosphate transaminase 1; minus strand). Cytogenetic location: 2p13.3.
Variant type: single nucleotide variant.
Coding change: c.147T>C on transcript NM_001244710.2 (MANE Select); coding-DNA position 147, T replaced by C.
Protein change: p.Asp49=; no amino-acid change (aspartic acid 49 retained).
Molecular consequence: synonymous variant.
Genome position (GRCh38, 1-based): chr2:69,370,077, A>G on the plus strand (T>C on the coding strand, the complement: GFPT1 is on the minus strand). VCF-style: chr2-69370077-A-G. GRCh37 (hg19) VCF-style: chr2-69597209-A-G.
Other names: p.Asp49=; c.147T>C, p.Asp49= (NM_002056.4).
Identifiers: ClinVar variation 129152 (VCV000129152.24), dbSNP rs2230300, ClinGen allele CA152969.
Genomic context (GRCh38, chr2:69,370,077, plus strand): 5'-CAGTGCCTTAACTTTTCCTTTCTTCTTAATAAGCTGGATTTTGCAGGCATTGGCTTCCCA[A>G]TCTTTATCATTGCCTCCATCAAATCCCACACCTAAACCATCATGAGGTAAAAAAGCAAAA-3'
Protein context (NP_001231639.1, residues 39-59): GVGFDGGNDK[Asp49=]WEANACKIQL